The following is an entry in ClinVar:

NM_020207.7(ERCC6L2):c.1111C>T (p.Arg371Cys)

Gene: ERCC6L2 (ERCC excision repair 6 like 2; plus strand). Cytogenetic location: 9q22.32.
Variant type: single nucleotide variant.
Coding change: c.1111C>T on transcript NM_020207.7 (MANE Select); coding-DNA position 1111, C replaced by T.
Protein change: p.Arg371Cys; replaces arginine 371 with cysteine.
Molecular consequence: missense variant. On other transcripts: non-coding transcript variant (1).
Genome position (GRCh38, 1-based): chr9:95,916,387, C>T. VCF-style: chr9-95916387-C-T. GRCh37 (hg19) VCF-style: chr9-98678669-C-T.
Other names: c.1111C>T, p.Arg371Cys (NM_001010895.4, NM_001375291.1, NM_001375292.1 and 2 more transcripts); short protein forms R371C.
Identifiers: ClinVar variation 1707135 (VCV001707135.5), dbSNP rs756006048, ClinGen allele CA5139456.

ClinVar aggregate classification (germline): Conflicting classifications of pathogenicity. Review status: criteria provided, conflicting classifications (1 of 4 stars). 2 submissions from 2 submitters: Likely pathogenic (1); Uncertain significance (1). Last evaluated 2022-09-13.

Allele frequency attached by ClinVar (database versions not stated): ExAC 0.00001; gnomAD 0.00002; TOPMed 0.00002.

Submissions (2):

GeneDx
Classification: Likely pathogenic. Last evaluated: 2022-09-13. Review status: criteria provided, single submitter. Criteria: GeneDx Variant Classification Process June 2021. Collection method: clinical testing. Allele origin: germline. Affected: yes.
Comment: Reported in a publication as homozygous in patient from a cohort of individuals who underwent exome testing (Klee et al., 2021); Not observed at significant frequency in large population cohorts, and no individuals were reported as homozygous (gnomAD); In silico analysis supports that this missense variant has a deleterious effect on protein structure/function; This variant is associated with the following publications: (PMID: 33144682)

Labcorp Genetics (formerly Invitae), Labcorp
Classification: Uncertain significance. Last evaluated: 2022-05-25. Review status: criteria provided, single submitter. Criteria: Invitae Variant Classification Sherloc (09022015). Collection method: clinical testing. Allele origin: germline.
Comment: This variant has not been reported in the literature in individuals affected with ERCC6L2-related conditions. This sequence change replaces arginine, which is basic and polar, with cysteine, which is neutral and slightly polar, at codon 382 of the ERCC6L2 protein (p.Arg382Cys). This variant is present in population databases (rs756006048, gnomAD 0.004%). In summary, the available evidence is currently insufficient to determine the role of this variant in disease. Therefore, it has been classified as a Variant of Uncertain Significance. Algorithms developed to predict the effect of missense changes on protein structure and function are either unavailable or do not agree on the potential impact of this missense change (SIFT: "Deleterious"; PolyPhen-2: "Not Available"; Align-GVGD: "Class C0").